The following is an entry in ClinVar:

ClinVar aggregate classification (germline): Uncertain significance (1 of 4 stars; one submission).

Conditions:
Mitochondrial DNA depletion syndrome 1. Also called: Mitochondrial neurogastrointestinal encephalomyopathy syndrome; Mitochondrial DNA Depletion Syndrome, MNGIE Form; POLIP SYNDROME; POLYNEUROPATHY, OPHTHALMOPLEGIA, LEUKOENCEPHALOPATHY, AND INTESTINAL PSEUDOOBSTRUCTION; Mitochondrial DNA depletion syndrome 1 (MNGIE type); Mitochondrial Neurogastrointestinal Encephalopathy Disease. Identifiers: Orphanet 298, MedGen C4551995, MONDO:0011283, OMIM 603041.

Submission:

Myriad Genetics, Inc.
Classification: Uncertain significance for Mitochondrial DNA depletion syndrome 1. Last evaluated: 2026-03-19. Review status: criteria provided, single submitter. Criteria: Myriad Autosomal Dominant, Autosomal Recessive and X-Linked Classification Criteria (2023). Collection method: clinical testing. Allele origin: unknown.
Comment: NM_001953.4(TYMP):c.451A>C(T151P) is a missense variant classified as a variant of uncertain significance in the context of mitochondrial neurogastrointestinal encephalopathy disease. T151P has been observed in a case with relevant disease (PMID: 23685548). Relevant functional assessments of this variant are not available in the literature. T151P has not been observed in referenced population frequency databases. In summary, there is insufficient evidence to classify NM_001953.4(TYMP):c.451A>C(T151P) as pathogenic or benign. Please note: this variant was assessed in the context of healthy population screening.

Literature cited by the submitters: PubMed 23685548.

NM_001953.5(TYMP):c.451A>C (p.Thr151Pro)

Gene: TYMP (thymidine phosphorylase; minus strand). Cytogenetic location: 22q13.33.
Variant type: single nucleotide variant.
Coding change: c.451A>C on transcript NM_001953.5 (MANE Select); coding-DNA position 451, A replaced by C.
Protein change: p.Thr151Pro; replaces threonine 151 with proline.
Molecular consequence: missense variant.
Genome position (GRCh38, 1-based): chr22:50,528,577, T>G on the plus strand (A>C on the coding strand, the complement: TYMP is on the minus strand). VCF-style: chr22-50528577-T-G. GRCh37 (hg19) VCF-style: chr22-50967006-T-G.
Other names: c.451A>C, p.Thr151Pro (NM_001113755.3, NM_001113756.3, NM_001257988.1 and 1 more transcripts); short protein forms T151P.
Identifiers: ClinVar variation 5003275 (VCV005003275.1).